The following is an entry in ClinVar:

NM_000702.4(ATP1A2):c.2972A>G (p.Tyr991Cys)

Gene: ATP1A2 (ATPase Na+/K+ transporting subunit alpha 2; plus strand). Cytogenetic location: 1q23.2.
Variant type: single nucleotide variant.
Coding change: c.2972A>G on transcript NM_000702.4 (MANE Select); coding-DNA position 2972, A replaced by G.
Protein change: p.Tyr991Cys; replaces tyrosine 991 with cysteine.
Molecular consequence: missense variant.
Genome position (GRCh38, 1-based): chr1:160,139,922, A>G. VCF-style: chr1-160139922-A-G. GRCh37 (hg19) VCF-style: chr1-160109712-A-G.
Other names: short protein forms Y991C.
Identifiers: ClinVar variation 4741249 (VCV004741249.1).

ClinVar aggregate classification (germline): Uncertain significance (1 of 4 stars; one submission).

Conditions:
Familial hemiplegic migraine. Identifiers: MedGen C0338484, MONDO:0000700.

Submission:

Labcorp Genetics (formerly Invitae), Labcorp
Classification: Uncertain significance for Familial hemiplegic migraine. Last evaluated: 2025-12-22. Review status: criteria provided, single submitter. Criteria: Invitae Variant Classification Sherloc (09022015). Collection method: clinical testing. Allele origin: germline.
Comment: This sequence change replaces tyrosine, which is neutral and polar, with cysteine, which is neutral and slightly polar, at codon 991 of the ATP1A2 protein (p.Tyr991Cys). This variant is not present in population databases (gnomAD no frequency). This variant has not been reported in the literature in individuals affected with ATP1A2-related conditions. Invitae Evidence Modeling of protein sequence and biophysical properties (such as structural, functional, and spatial information, amino acid conservation, physicochemical variation, residue mobility, and thermodynamic stability) indicates that this missense variant is not expected to disrupt ATP1A2 protein function with a negative predictive value of 80%. In summary, the available evidence is currently insufficient to determine the role of this variant in disease. Therefore, it has been classified as a Variant of Uncertain Significance.